The following is an entry in ClinVar:

ClinVar aggregate classification (germline): Uncertain significance. Review status: criteria provided, multiple submitters, no conflicts (2 of 4 stars). 3 submissions from 3 submitters: Uncertain significance (2). 1 of the submissions does not count toward it. Last evaluated 2021-08-27.

Conditions:
Primary ciliary dyskinesia. Also called: Ciliary dyskinesia. Identifiers: Orphanet 244, MedGen C0008780, MONDO:0016575, HP:0012265.

Allele frequency attached by ClinVar (database versions not stated): gnomAD 0.00001; gnomAD exomes 0.00002 and 0.00007; TOPMed 0.00004.
gnomAD v4.1: 108 of 1,613,616 alleles (0.0067%); highest among the groups gnomAD compares: Non-Finnish European, 0.0086%; no homozygotes.

Submissions (3):

Labcorp Genetics (formerly Invitae), Labcorp
Classification: Uncertain significance for Primary ciliary dyskinesia. Last evaluated: 2021-08-27. Review status: criteria provided, single submitter. Criteria: Invitae Variant Classification Sherloc (09022015). Collection method: clinical testing. Allele origin: germline.
Comment: This sequence change replaces arginine with serine at codon 1264 of the DNAH5 protein (p.Arg1264Ser). The arginine residue is highly conserved and there is a moderate physicochemical difference between arginine and serine. This variant is not present in population databases (ExAC no frequency). This variant has not been reported in the literature in individuals affected with DNAH5-related conditions. Algorithms developed to predict the effect of missense changes on protein structure and function are either unavailable or do not agree on the potential impact of this missense change (SIFT: "Deleterious"; PolyPhen-2: "Benign"; Align-GVGD: "Class C0"). In summary, the available evidence is currently insufficient to determine the role of this variant in disease. Therefore, it has been classified as a Variant of Uncertain Significance.

Eurofins Ntd Llc (ga)
Classification: Uncertain significance. Last evaluated: 2017-10-18. Review status: criteria provided, single submitter. Criteria: EGL Classification Definitions 2015. Collection method: clinical testing. Allele origin: germline. Observed: 1 variant allele, 1 heterozygote.

Natera, Inc.
Classification: Uncertain significance for Primary ciliary dyskinesia. Last evaluated: 2020-08-04. Review status: no assertion criteria provided. Collection method: clinical testing. Allele origin: germline. Not counted in ClinVar's aggregate classification.

NM_001369.3(DNAH5):c.3792G>C (p.Arg1264Ser)

Genes: DNAH5 (dynein axonemal heavy chain 5; minus strand), DNAH5-AS1 (DNAH5 antisense RNA 1; plus strand). Cytogenetic location: 5p15.2.
Variant type: single nucleotide variant.
Coding change: c.3792G>C on transcript NM_001369.3 (MANE Select); coding-DNA position 3792, G replaced by C.
Protein change: p.Arg1264Ser; replaces arginine 1264 with serine.
Molecular consequence: missense variant.
Genome position (GRCh38, 1-based): chr5:13,870,809, C>G on the plus strand (G>C on the coding strand, the complement: DNAH5 is on the minus strand). VCF-style: chr5-13870809-C-G. GRCh37 (hg19) VCF-style: chr5-13870918-C-G.
Other names: short protein forms R1264S.
Identifiers: ClinVar variation 454770 (VCV000454770.13), dbSNP rs769589158, ClinGen allele CA113981232.